The following is an entry in ClinVar:

ClinVar aggregate classification (germline): Uncertain significance (1 of 4 stars; one submission).

gnomAD v4.1: 2 of 1,614,138 alleles (0.00012%); no homozygotes.

Submission:

Labcorp Genetics (formerly Invitae), Labcorp
Classification: Uncertain significance. Last evaluated: 2022-11-07. Review status: criteria provided, single submitter. Criteria: Invitae Variant Classification Sherloc (09022015). Collection method: clinical testing. Allele origin: germline.
Comment: In summary, the available evidence is currently insufficient to determine the role of this variant in disease. Therefore, it has been classified as a Variant of Uncertain Significance. Advanced modeling of protein sequence and biophysical properties (such as structural, functional, and spatial information, amino acid conservation, physicochemical variation, residue mobility, and thermodynamic stability) performed at Invitae indicates that this missense variant is not expected to disrupt C5 protein function. This variant has not been reported in the literature in individuals affected with C5-related conditions. This variant is not present in population databases (gnomAD no frequency). This sequence change replaces serine, which is neutral and polar, with alanine, which is neutral and non-polar, at codon 868 of the C5 protein (p.Ser868Ala).

NM_001735.3(C5):c.2602T>G (p.Ser868Ala)

Gene: C5 (complement C5; minus strand). Cytogenetic location: 9q33.2.
Variant type: single nucleotide variant.
Coding change: c.2602T>G on transcript NM_001735.3 (MANE Select); coding-DNA position 2602, T replaced by G.
Protein change: p.Ser868Ala; replaces serine 868 with alanine.
Molecular consequence: missense variant.
Genome position (GRCh38, 1-based): chr9:120,997,735, A>C on the plus strand (T>G on the coding strand, the complement: C5 is on the minus strand). VCF-style: chr9-120997735-A-C. GRCh37 (hg19) VCF-style: chr9-123760013-A-C.
Other names: c.2620T>G, p.Ser874Ala (NM_001317163.2); short protein forms S868A, S874A.
Identifiers: ClinVar variation 1906750 (VCV001906750.5), dbSNP rs2540408883, ClinGen allele CA374737339.
Genomic context (GRCh38, chr9:120,997,735, plus strand): 5'-CTTTCTGGCGCACACATTTGGAGGACTTTGTGCCCTGATGATCAATGACTGGGCTTTCCG[A>C]AGTGCAGATTCCCTCCACAGCAGACATTTTAACACAGAACTGAAATACAAGTGAAGAATT-3'
Protein context (NP_001726.2, residues 858-878): KMSAVEGICT[Ser868Ala]ESPVIDHQGT